The following is an entry in ClinVar:

NM_017837.4(PIGV):c.-333C>T

Gene: PIGV (phosphatidylinositol glycan anchor biosynthesis class V; plus strand). Cytogenetic location: 1p36.11.
Variant type: single nucleotide variant.
Coding change: c.-333C>T on transcript NM_017837.4 (MANE Select); 333 bases upstream of the start codon, C replaced by T.
Molecular consequence: 5 prime UTR variant. On other transcripts: non-coding transcript variant (1), intron variant (5).
Genome position (GRCh38, 1-based): chr1:26,787,993, C>T. VCF-style: chr1-26787993-C-T. GRCh37 (hg19) VCF-style: chr1-27114484-C-T.
Other names: c.-333C>T (NM_001374486.1); c.-58+775C>T (NM_001374478.1); c.-58+4C>T (NM_001374480.1); c.-58+187C>T (NM_001374481.1, NM_001374484.1); c.-304+187C>T (NM_001374483.1).
Identifiers: ClinVar variation 297111 (VCV000297111.6), dbSNP rs118069986, ClinGen allele CA10610048.

ClinVar aggregate classification (germline): Benign. Review status: criteria provided, multiple submitters, no conflicts (2 of 4 stars). 2 submissions from 2 submitters: Benign (2). Last evaluated 2018-01-13.

Conditions:
Hyperphosphatasia with impaired intellectual development syndrome 1. Also called: MABRY SYNDROME; GLYCOSYLPHOSPHATIDYLINOSITOL BIOSYNTHESIS DEFECT 2; Hyperphosphatasia with intellectual disability syndrome 1. Identifiers: Orphanet 247262, MedGen C4551502, MONDO:0009398, OMIM 239300.

Allele frequency attached by ClinVar (database versions not stated): TOPMed 0.00164; 1000 Genomes Project 0.00719; 1000 Genomes Project 30x 0.00812.

Submissions (2):

Illumina Laboratory Services, Illumina
Classification: Benign for Hyperphosphatasia with impaired intellectual development syndrome 1. Last evaluated: 2018-01-13. Review status: criteria provided, single submitter. Criteria: ICSL Variant Classification Criteria 13 December 2019. Collection method: clinical testing. Allele origin: germline.
Comment: This variant was observed in the ICSL laboratory as part of a predisposition screen in an ostensibly healthy population. It had not been previously curated by ICSL or reported in the Human Gene Mutation Database (HGMD: prior to June 1st, 2018), and was therefore a candidate for classification through an automated scoring system. Utilizing variant allele frequency, disease prevalence and penetrance estimates, and inheritance mode, an automated score was calculated to assess if this variant is too frequent to cause the disease. Based on the score and internal cut-off values, a variant classified as benign is not then subjected to further curation. The score for this variant resulted in a classification of benign for this disease.

Breakthrough Genomics
Classification: Benign. Review status: criteria provided, single submitter. Criteria: ACMG Guidelines, 2015. Collection method: not provided. Allele origin: germline. Inheritance: Autosomal recessive inheritance. Affected: yes.